The following is an entry in ClinVar:

ClinVar aggregate classification (germline): Uncertain significance (1 of 4 stars; one submission).

Submission:

GeneDx
Classification: Uncertain significance. Last evaluated: 2021-06-21. Review status: criteria provided, single submitter. Criteria: GeneDx Variant Classification Process June 2021. Collection method: clinical testing. Allele origin: germline. Affected: yes.
Comment: Not observed at significant frequency in large population cohorts (Lek et al., 2016); In silico analysis supports that this missense variant has a deleterious effect on protein structure/function; In-silico analysis is inconclusive as to whether the variant alters gene splicing. In the absence of RNA/functional studies, the actual effect of this sequence change is unknown.; Has not been previously published as pathogenic or benign to our knowledge; This variant is associated with the following publications: (PMID: 27535533)

NM_004408.4(DNM1):c.298G>A (p.Glu100Lys)

Genes: DNM1 (dynamin 1; plus strand), LOC113839516 (Sharpr-MPRA regulatory region 8497; plus strand). Cytogenetic location: 9q34.11.
Variant type: single nucleotide variant.
Coding change: c.298G>A on transcript NM_004408.4 (MANE Select); coding-DNA position 298, G replaced by A.
Protein change: p.Glu100Lys; replaces glutamic acid 100 with lysine.
Molecular consequence: missense variant.
Genome position (GRCh38, 1-based): chr9:128,218,644, G>A. VCF-style: chr9-128218644-G-A. GRCh37 (hg19) VCF-style: chr9-130980923-G-A.
Other names: c.298G>A, p.Glu100Lys (NM_001005336.3, NM_001288737.2, NM_001288738.2 and 2 more transcripts); short protein forms E100K.
Identifiers: ClinVar variation 1329810 (VCV001329810.2), dbSNP rs2131150420, ClinGen allele CA375010647.